The following is an entry in ClinVar:

ClinVar aggregate classification (germline): Conflicting classifications of pathogenicity. Review status: criteria provided, conflicting classifications (1 of 4 stars). 4 submissions from 4 submitters: Uncertain significance (3); Likely benign (1). Last evaluated 2025-08-02.

Conditions:
Hereditary cancer-predisposing syndrome. Also called: Tumor predisposition; Neoplastic Syndromes, Hereditary; Hereditary Cancer Syndrome; Hereditary neoplastic syndrome. Identifiers: Orphanet 140162, MedGen C0027672, MeSH D009386, MONDO:0015356.
Familial cancer of breast. Also called: Hereditary breast cancer; BREAST CANCER, FAMILIAL; hereditary breast carcinoma. Identifiers: Orphanet 227535, MedGen C0346153, MONDO:0016419, OMIM 114480. Disease mechanism: loss of function.

Allele frequency attached by ClinVar (database versions not stated): gnomAD exomes below 0.00001.
gnomAD v4.1: 3 of 1,613,050 alleles (0.00019%); highest among the groups gnomAD compares: African/African-American, 0.004%; no homozygotes.

Submissions (4):

Labcorp Genetics (formerly Invitae), Labcorp
Classification: Uncertain significance for Familial cancer of breast. Last evaluated: 2025-08-02. Review status: criteria provided, single submitter. Criteria: Invitae Variant Classification Sherloc (09022015). Collection method: clinical testing. Allele origin: germline.
Comment: This sequence change replaces aspartic acid, which is acidic and polar, with glycine, which is neutral and non-polar, at codon 122 of the PALB2 protein (p.Asp122Gly). This variant is present in population databases (no rsID available, gnomAD 0.007%). This missense change has been observed in individual(s) with breast cancer (PMID: 26564480). ClinVar contains an entry for this variant (Variation ID: 241567). An algorithm developed to predict the effect of missense changes on protein structure and function outputs the following: PolyPhen-2: "Benign". The glycine amino acid residue is found in multiple mammalian species, which suggests that this missense change does not adversely affect protein function. RNA analysis performed to evaluate the impact of this missense change on mRNA splicing indicates it does not significantly alter splicing (internal data). In summary, the available evidence is currently insufficient to determine the role of this variant in disease. Therefore, it has been classified as a Variant of Uncertain Significance.

Color Diagnostics, LLC DBA Color Health
Classification: Uncertain significance for Hereditary cancer-predisposing syndrome. Last evaluated: 2024-03-19. Review status: criteria provided, single submitter. Criteria: ACMG Guidelines, 2015. Collection method: clinical testing. Allele origin: germline.
Comment: This missense variant replaces aspartic acid with glycine at codon 122 of the PALB2 protein. Computational prediction suggests that this variant may not impact protein structure and function. To our knowledge, functional studies have not been reported for this variant. This variant has been reported in an individual affected with breast cancer (PMID: 26564480) and in four carriers in a breast cancer case-control study, however the cancer status of the four carriers was not provided (PMID: 31871109). This variant has been identified in 1/250508 chromosomes in the general population by the Genome Aggregation Database (gnomAD). The available evidence is insufficient to determine the role of this variant in disease conclusively. Therefore, this variant is classified as a Variant of Uncertain Significance.

GeneDx
Classification: Uncertain significance. Last evaluated: 2024-03-07. Review status: criteria provided, single submitter. Criteria: GeneDx Variant Classification Process June 2021. Collection method: clinical testing. Allele origin: germline. Affected: yes.
Comment: Not observed at significant frequency in large population cohorts (gnomAD); In silico analysis supports that this missense variant does not alter protein structure/function; Observed in individual(s) with breast cancer (PMID: 26564480); This variant is associated with the following publications: (PMID: 31871109, 27666373, 20871615, 19369211, 26564480)

Ambry Genetics
Classification: Likely benign for Hereditary cancer-predisposing syndrome. Last evaluated: 2022-12-05. Review status: criteria provided, single submitter. Criteria: Ambry Variant Classification Scheme 2023. Collection method: clinical testing. Allele origin: germline.

Literature cited by the submitters: PubMed 26564480 (cited by 3 submitters); PubMed 31871109 (cited by Color Diagnostics, LLC DBA Color Health and Ambry Genetics).

NM_024675.4(PALB2):c.365A>G (p.Asp122Gly)

Gene: PALB2 (partner and localizer of BRCA2; minus strand). Cytogenetic location: 16p12.2.
Variant type: single nucleotide variant.
Coding change: c.365A>G on transcript NM_024675.4 (MANE Select); coding-DNA position 365, A replaced by G.
Protein change: p.Asp122Gly; replaces aspartic acid 122 with glycine.
Molecular consequence: missense variant.
Genome position (GRCh38, 1-based): chr16:23,636,181, T>C on the plus strand (A>G on the coding strand, the complement: PALB2 is on the minus strand). VCF-style: chr16-23636181-T-C. GRCh37 (hg19) VCF-style: chr16-23647502-T-C.
Other names: short protein forms D122G.
Identifiers: ClinVar variation 241567 (VCV000241567.18), dbSNP rs866367185, ClinGen allele CA10583383.